The following is an entry in ClinVar:

ClinVar aggregate classification (germline): Pathogenic (1 of 4 stars; one submission).

Submission:

Labcorp Genetics (formerly Invitae), Labcorp
Classification: Pathogenic. Last evaluated: 2023-06-22. Review status: criteria provided, single submitter. Criteria: Invitae Variant Classification Sherloc (09022015). Collection method: clinical testing. Allele origin: germline.
Comment: This sequence change creates a premature translational stop signal (p.Pro1659Leufs*16) in the CPLANE1 gene. It is expected to result in an absent or disrupted protein product. Loss-of-function variants in CPLANE1 are known to be pathogenic (PMID: 24178751, 26092869). This variant is not present in population databases (gnomAD no frequency). This variant has not been reported in the literature in individuals affected with CPLANE1-related conditions. For these reasons, this variant has been classified as Pathogenic.

Literature cited by the submitters: PubMed 24178751; PubMed 26092869.

NM_001384732.1(CPLANE1):c.4976del (p.Pro1659fs)

Gene: CPLANE1 (ciliogenesis and planar polarity effector complex subunit 1; minus strand). Cytogenetic location: 5p13.2.
Variant type: Deletion.
Coding change: c.4976del on transcript NM_001384732.1 (MANE Select); coding-DNA position 4976, one base deleted (C; older notation c.4976delC).
Protein change: p.Pro1659fs; shifts the reading frame from proline 1659.
Molecular consequence: frameshift variant.
Genome position (GRCh38, 1-based): chr5:37,183,205, G deleted on the plus strand (C on the coding strand, the reverse complement: CPLANE1 is on the minus strand); the first of 2 consecutive G bases (chr5:37,183,205-37,183,206); deleting either gives the same sequence. VCF-style (leftmost placement, unchanged base first): chr5-37183204-AG-A. GRCh37 (hg19) VCF-style: chr5-37183306-AG-A.
Other names: c.4976del, p.Pro1659fs (NM_023073.4); short protein forms P1659fs.
Identifiers: ClinVar variation 2724179 (VCV002724179.3), dbSNP rs2547829389, ClinGen allele CA2697547128.